The following is an entry in ClinVar:

ClinVar aggregate classification (germline): Uncertain significance. Review status: criteria provided, multiple submitters, no conflicts (2 of 4 stars). 2 submissions from 2 submitters: Uncertain significance (2). Last evaluated 2025-06-12.

Conditions:
Focal segmental glomerulosclerosis 6 (FSGS6). Identifiers: Orphanet 656, MedGen C3279905, MONDO:0013589, OMIM 614131.

Allele frequency attached by ClinVar (database versions not stated): gnomAD exomes below 0.00001 and 0.00001; gnomAD 0.00003; TOPMed 0.00006; ESP Exome Variant Server 0.00015.
gnomAD v4.1: 8 of 1,570,314 alleles (0.00051%); highest among the groups gnomAD compares: African/African-American, 0.0095%; no homozygotes.

Submissions (2):

Labcorp Genetics (formerly Invitae), Labcorp
Classification: Uncertain significance. Last evaluated: 2025-06-12. Review status: criteria provided, single submitter. Criteria: Invitae Variant Classification Sherloc (09022015). Collection method: clinical testing. Allele origin: germline.
Comment: This sequence change replaces asparagine, which is neutral and polar, with aspartic acid, which is acidic and polar, at codon 938 of the MYO1E protein (p.Asn938Asp). The frequency data for this variant in the population databases is considered unreliable, as metrics indicate poor data quality at this position in the gnomAD database. This variant has not been reported in the literature in individuals affected with MYO1E-related conditions. ClinVar contains an entry for this variant (Variation ID: 1506498). An algorithm developed to predict the effect of missense changes on protein structure and function (PolyPhen-2) suggests that this variant is likely to be tolerated. In summary, the available evidence is currently insufficient to determine the role of this variant in disease. Therefore, it has been classified as a Variant of Uncertain Significance.

Fulgent Genetics
Classification: Uncertain significance for Focal segmental glomerulosclerosis 6. Last evaluated: 2024-05-30. Review status: criteria provided, single submitter. Criteria: ACMG Guidelines, 2015. Collection method: clinical testing. Allele origin: germline.

NM_004998.4(MYO1E):c.2812A>G (p.Asn938Asp)

Gene: MYO1E (myosin IE; minus strand). Cytogenetic location: 15q22.2.
Variant type: single nucleotide variant.
Coding change: c.2812A>G on transcript NM_004998.4 (MANE Select); coding-DNA position 2812, A replaced by G.
Protein change: p.Asn938Asp; replaces asparagine 938 with aspartic acid.
Molecular consequence: missense variant.
Genome position (GRCh38, 1-based): chr15:59,158,353, T>C on the plus strand (A>G on the coding strand, the complement: MYO1E is on the minus strand). VCF-style: chr15-59158353-T-C. GRCh37 (hg19) VCF-style: chr15-59450552-T-C.
Other names: short protein forms N938D.
Identifiers: ClinVar variation 1506498 (VCV001506498.10), dbSNP rs149359240, ClinGen allele CA271778796.